The following is an entry in ClinVar:

NM_015335.5(MED13L):c.473A>G (p.Asn158Ser)

Gene: MED13L (mediator complex subunit 13L; minus strand). Cytogenetic location: 12q24.21.
Variant type: single nucleotide variant.
Coding change: c.473A>G on transcript NM_015335.5 (MANE Select); coding-DNA position 473, A replaced by G.
Protein change: p.Asn158Ser; replaces asparagine 158 with serine.
Molecular consequence: missense variant.
Genome position (GRCh38, 1-based): chr12:116,096,675, T>C on the plus strand (A>G on the coding strand, the complement: MED13L is on the minus strand). VCF-style: chr12-116096675-T-C. GRCh37 (hg19) VCF-style: chr12-116534480-T-C.
Other names: short protein forms N158S.
Identifiers: ClinVar variation 1389872 (VCV001389872.6), dbSNP rs781607336, ClinGen allele CA6811672.

ClinVar aggregate classification (germline): Uncertain significance (1 of 4 stars; one submission).

Conditions:
Dextro-looped transposition of the great arteries. Also called: Dextrotransposition of the great arteries. Identifiers: Orphanet 860, MedGen C3531771, MONDO:0019443, OMIM 608808, HP:0031348.

Allele frequency attached by ClinVar (database versions not stated): gnomAD exomes 0.00001; TOPMed 0.00001; ExAC 0.00002.
gnomAD v4.1: 14 of 1,613,984 alleles (0.00087%); highest among the groups gnomAD compares: Admixed American, 0.0017%; no homozygotes.

Submission:

Labcorp Genetics (formerly Invitae), Labcorp
Classification: Uncertain significance for Dextro-looped transposition of the great arteries. Last evaluated: 2021-09-21. Review status: criteria provided, single submitter. Criteria: Invitae Variant Classification Sherloc (09022015). Collection method: clinical testing. Allele origin: germline.
Comment: This sequence change replaces asparagine with serine at codon 158 of the MED13L protein (p.Asn158Ser). The asparagine residue is weakly conserved and there is a small physicochemical difference between asparagine and serine. This variant is present in population databases (rs781607336, ExAC 0.006%). This variant has not been reported in the literature in individuals affected with MED13L-related conditions. Algorithms developed to predict the effect of missense changes on protein structure and function are either unavailable or do not agree on the potential impact of this missense change (SIFT: "Tolerated"; PolyPhen-2: "Not Available"; Align-GVGD: "Class C0"). In summary, the available evidence is currently insufficient to determine the role of this variant in disease. Therefore, it has been classified as a Variant of Uncertain Significance.